The following is an entry in ClinVar:

ClinVar aggregate classification (germline): Uncertain significance (1 of 4 stars; one submission).

Allele frequency attached by ClinVar (database versions not stated): gnomAD exomes below 0.00001; ExAC 0.00001.
gnomAD v4.1: 2 of 1,613,336 alleles (0.00012%); highest among the groups gnomAD compares: South Asian, 0.0022%; no homozygotes.

Submission:

Women's Health and Genetics/Laboratory Corporation of America, LabCorp
Classification: Uncertain significance. Last evaluated: 2023-08-03. Review status: criteria provided, single submitter. Criteria: LabCorp Variant Classification Summary - May 2015. Collection method: clinical testing. Allele origin: germline.
Comment: Variant summary: EIF2B5 c.1543T>G (p.Trp515Gly) results in a non-conservative amino acid change in the encoded protein sequence. Four of five in-silico tools predict a damaging effect of the variant on protein function. The variant allele was found at a frequency of 4e-06 in 249560 control chromosomes (gnomAD). The available data on variant occurrences in the general population are insufficient to allow any conclusion about variant significance. c.1543T>G has been reported in the literature in at least one compound heterozygous individual affected with Leukoencephalopathy With Vanishing White Matter (Slynko_2021). The report does not provide unequivocal conclusions about association of the variant with Leukoencephalopathy With Vanishing White Matter. To our knowledge, no experimental evidence demonstrating an impact on protein function has been reported. The following publication have been ascertained in the context of this evaluation (PMID: 33432707). No submitters have cited clinical-significance assessments for this variant to ClinVar after 2014. Based on the evidence outlined above, the variant was classified as uncertain significance.

Literature cited by the submitters: PubMed 33432707.

NM_003907.3(EIF2B5):c.1543T>G (p.Trp515Gly)

Gene: EIF2B5 (eukaryotic translation initiation factor 2B subunit epsilon; plus strand). Cytogenetic location: 3q27.1.
Variant type: single nucleotide variant.
Coding change: c.1543T>G on transcript NM_003907.3 (MANE Select); coding-DNA position 1543, T replaced by G.
Protein change: p.Trp515Gly; replaces tryptophan 515 with glycine.
Molecular consequence: missense variant.
Genome position (GRCh38, 1-based): chr3:184,142,600, T>G. VCF-style: chr3-184142600-T-G. GRCh37 (hg19) VCF-style: chr3-183860388-T-G.
Other names: short protein forms W515G.
Identifiers: ClinVar variation 2581354 (VCV002581354.1), dbSNP rs771205608, ClinGen allele CA2726720.